The following is an entry in ClinVar:

ClinVar aggregate classification (germline): Benign/Likely benign. Review status: criteria provided, multiple submitters, no conflicts (2 of 4 stars). 2 submissions from 2 submitters: Benign (1); Likely benign (1). Last evaluated 2025-12-17.

Conditions:
Glycogen storage disease type X (GSD10). Also called: MYOPATHY DUE TO PHOSPHOGLYCERATE MUTASE DEFICIENCY; PGAMM DEFICIENCY; PHOSPHOGLYCERATE MUTASE, MUSCLE, DEFICIENCY OF; Dimauro disease; Glycogen storage disease due to phosphoglycerate mutase deficiency; GSD X. Identifiers: Orphanet 97234, MedGen C0268149, MONDO:0009865, OMIM 261670.

Allele frequency attached by ClinVar (database versions not stated): gnomAD 0.00005 and 0.00028; ESP Exome Variant Server 0.00008; TOPMed 0.00009; gnomAD exomes 0.00044 and 0.00092; 1000 Genomes Project 30x 0.00078; 1000 Genomes Project 0.00100; ExAC 0.00104.
gnomAD v4.1: 694 of 1,614,190 alleles (0.043%); highest among the groups gnomAD compares: South Asian, 0.68%; 8 homozygotes.

Submissions (2):

Labcorp Genetics (formerly Invitae), Labcorp
Classification: Benign for Glycogen storage disease type X. Last evaluated: 2025-12-17. Review status: criteria provided, single submitter. Criteria: Invitae Variant Classification Sherloc (09022015). Collection method: clinical testing. Allele origin: germline.

Illumina Laboratory Services, Illumina
Classification: Likely benign for Glycogen storage disease type X. Last evaluated: 2018-01-13. Review status: criteria provided, single submitter. Criteria: ICSL Variant Classification Criteria 13 December 2019. Collection method: clinical testing. Allele origin: germline.
Comment: This variant was observed in the ICSL laboratory as part of a predisposition screen in an ostensibly healthy population. It had not been previously curated by ICSL or reported in the Human Gene Mutation Database (HGMD: prior to June 1st, 2018), and was therefore a candidate for classification through an automated scoring system. Utilizing variant allele frequency, disease prevalence and penetrance estimates, and inheritance mode, an automated score was calculated to assess if this variant is too frequent to cause the disease. Based on the score and internal cut-off values, a variant classified as likely benign is not then subjected to further curation. The score for this variant resulted in a classification of likely benign for this disease.

NM_000290.4(PGAM2):c.596-3T>C

Genes: DBNL (drebrin like; plus strand), PGAM2 (phosphoglycerate mutase 2; minus strand). Cytogenetic location: 7p13.
Variant type: single nucleotide variant.
Coding change: c.596-3T>C on transcript NM_000290.4 (MANE Select); 3 bases into the intron before coding-DNA position 596, T replaced by C.
Molecular consequence: intron variant. On other transcripts: 3 prime UTR variant (6).
Genome position (GRCh38, 1-based): chr7:44,062,933, A>G on the plus strand (T>C on the coding strand, the complement: PGAM2 is on the minus strand). VCF-style: chr7-44062933-A-G. GRCh37 (hg19) VCF-style: chr7-44102532-A-G.
Other names: c.*2017A>G (NM_001014436.3, NM_001122956.2, NM_001284313.2 and 3 more transcripts).
Identifiers: ClinVar variation 360271 (VCV000360271.12), dbSNP rs367994618, ClinGen allele CA4236511.